The following is an entry in ClinVar:

NM_002473.6(MYH9):c.5711C>T (p.Thr1904Ile)

Gene: MYH9 (myosin heavy chain 9; minus strand). Cytogenetic location: 22q12.3.
Variant type: single nucleotide variant.
Coding change: c.5711C>T on transcript NM_002473.6 (MANE Select); coding-DNA position 5711, C replaced by T.
Protein change: p.Thr1904Ile; replaces threonine 1904 with isoleucine.
Molecular consequence: missense variant.
Genome position (GRCh38, 1-based): chr22:36,284,147, G>A on the plus strand (C>T on the coding strand, the complement: MYH9 is on the minus strand). VCF-style: chr22-36284147-G-A. GRCh37 (hg19) VCF-style: chr22-36680193-G-A.
Other names: short protein forms T1904I.
Identifiers: ClinVar variation 3019120 (VCV003019120.6), dbSNP rs767057323, ClinGen allele CA10208955.

ClinVar aggregate classification (germline): Conflicting classifications of pathogenicity. Review status: criteria provided, conflicting classifications (1 of 4 stars). 3 submissions from 3 submitters: Uncertain significance (1); Likely benign (1). 1 of the submissions does not count toward it. Last evaluated 2024-11-06.

Conditions:
MYH9-related disorder. Identifiers: MedGen C1854520.

Allele frequency attached by ClinVar (database versions not stated): ExAC 0.00001; TOPMed 0.00001; gnomAD 0.00002; gnomAD exomes 0.00002.
gnomAD v4.1: 34 of 1,614,086 alleles (0.0021%); highest among the groups gnomAD compares: Non-Finnish European, 0.0028%; no homozygotes.

Submissions (3):

Women's Health and Genetics/Laboratory Corporation of America, LabCorp
Classification: Uncertain significance. Last evaluated: 2024-11-06. Review status: criteria provided, single submitter. Criteria: LabCorp Variant Classification Summary - May 2015. Collection method: clinical testing. Allele origin: germline.
Comment: Variant summary: MYH9 c.5711C>T (p.Thr1904Ile) results in a non-conservative amino acid change located in the Myosin Tail domain of the encoded protein sequence. Three of five in-silico tools predict a benign effect of the variant on protein function. The variant allele was found at a frequency of 4e-06 in 251244 control chromosomes. The available data on variant occurrences in the general population are insufficient to allow any conclusion about variant significance. To our knowledge, no occurrence of c.5711C>T in individuals affected with Macrothrombocytopenia And Granulocyte Inclusions With Or Without Nephritis Or Sensorineural Hearing Loss and no experimental evidence demonstrating its impact on protein function have been reported. ClinVar contains an entry for this variant (Variation ID: 3019120). Based on the evidence outlined above, the variant was classified as uncertain significance.

Labcorp Genetics (formerly Invitae), Labcorp
Classification: Likely benign. Last evaluated: 2023-03-03. Review status: criteria provided, single submitter. Criteria: Invitae Variant Classification Sherloc (09022015). Collection method: clinical testing. Allele origin: germline.

PreventionGenetics, part of Exact Sciences
Classification: Uncertain significance for MYH9-related condition. Last evaluated: 2023-10-20. Review status: no assertion criteria provided. Collection method: clinical testing. Allele origin: germline. Not counted in ClinVar's aggregate classification.
Comment: The MYH9 c.5711C>T variant is predicted to result in the amino acid substitution p.Thr1904Ile. To our knowledge, this variant has not been reported in the literature. This variant is reported in 0.0015% of alleles in individuals of European (Non-Finnish) descent in gnomAD. At this time, the clinical significance of this variant is uncertain due to the absence of conclusive functional and genetic evidence.